The following is an entry in ClinVar:

ClinVar aggregate classification (germline): Likely pathogenic (1 of 4 stars; one submission).

Conditions:
Malignant hyperthermia, susceptibility to, 5 (MHS5). Also called: CACNA1S-Related Malignant Hyperthermia Susceptibility. Identifiers: Orphanet 423, MedGen C1866077, MONDO:0011163, OMIM 601887.
Hypokalemic periodic paralysis, type 1. Also called: Hypokalemic Periodic Paralysis Type 1 (AD); HypoPP. Identifiers: Orphanet 681, MedGen C3714580, MONDO:0042979, OMIM 170400.

gnomAD v4.1: 1 of 1,614,194 alleles (0.000062%); no homozygotes.

Submission:

Labcorp Genetics (formerly Invitae), Labcorp
Classification: Likely pathogenic for Hypokalemic periodic paralysis, type 1; Malignant hyperthermia, susceptibility to, 5. Last evaluated: 2024-12-27. Review status: criteria provided, single submitter. Criteria: Invitae Variant Classification Sherloc (09022015). Collection method: clinical testing. Allele origin: germline.
Comment: This sequence change replaces alanine, which is neutral and non-polar, with valine, which is neutral and non-polar, at codon 1092 of the CACNA1S protein (p.Ala1092Val). This variant is present in population databases (no rsID available, gnomAD 0.004%). This missense change has been observed in individual(s) with hypokalemic periodic paralysis (internal data). In at least one individual the variant was observed to be de novo. Invitae Evidence Modeling of protein sequence and biophysical properties (such as structural, functional, and spatial information, amino acid conservation, physicochemical variation, residue mobility, and thermodynamic stability) indicates that this missense variant is not expected to disrupt CACNA1S protein function with a negative predictive value of 95%. In summary, the currently available evidence indicates that the variant is pathogenic, but additional data are needed to prove that conclusively. Therefore, this variant has been classified as Likely Pathogenic.

NM_000069.3(CACNA1S):c.3275C>T (p.Ala1092Val)

Gene: CACNA1S (calcium voltage-gated channel subunit alpha1 S; minus strand). Cytogenetic location: 1q32.1.
Variant type: single nucleotide variant.
Coding change: c.3275C>T on transcript NM_000069.3 (MANE Select); coding-DNA position 3275, C replaced by T.
Protein change: p.Ala1092Val; replaces alanine 1092 with valine.
Molecular consequence: missense variant.
Genome position (GRCh38, 1-based): chr1:201,060,797, G>A on the plus strand (C>T on the coding strand, the complement: CACNA1S is on the minus strand). VCF-style: chr1-201060797-G-A. GRCh37 (hg19) VCF-style: chr1-201029925-G-A.
Other names: short protein forms A1092V.
Identifiers: ClinVar variation 3750524 (VCV003750524.2).